The following is an entry in ClinVar:

ClinVar aggregate classification (germline): Uncertain significance (1 of 4 stars; one submission).

Conditions:
Familial thoracic aortic aneurysm and aortic dissection (TAAD). Also called: Thoracic aortic aneurysms and dissections. Identifiers: Orphanet 91387, MedGen C4707243, MONDO:0019625.

gnomAD v4.1: 1 of 1,536,848 alleles (0.000065%); highest among the groups gnomAD compares: Non-Finnish European, 0.000087%; no homozygotes.

Submission:

Ambry Genetics
Classification: Uncertain significance for Familial thoracic aortic aneurysm and aortic dissection. Last evaluated: 2022-04-21. Review status: criteria provided, single submitter. Criteria: Ambry Variant Classification Scheme 2023. Collection method: clinical testing. Allele origin: germline.
Comment: The p.V73L variant (also known as c.217G>T), located in coding exon 1 of the SKI gene, results from a G to T substitution at nucleotide position 217. The valine at codon 73 is replaced by leucine, an amino acid with highly similar properties. This amino acid position is conserved. In addition, this alteration is predicted to be tolerated by in silico analysis. Since supporting evidence is limited at this time, the clinical significance of this alteration remains unclear.

NM_003036.4(SKI):c.217G>T (p.Val73Leu)

Gene: SKI (SKI proto-oncogene; plus strand). Cytogenetic location: 1p36.33.
Variant type: single nucleotide variant.
Coding change: c.217G>T on transcript NM_003036.4 (MANE Select); coding-DNA position 217, G replaced by T.
Protein change: p.Val73Leu; replaces valine 73 with leucine.
Molecular consequence: missense variant.
Genome position (GRCh38, 1-based): chr1:2,228,983, G>T. VCF-style: chr1-2228983-G-T. GRCh37 (hg19) VCF-style: chr1-2160422-G-T.
Other names: short protein forms V73L.
Identifiers: ClinVar variation 1787253 (VCV001787253.2), dbSNP rs1412398423, ClinGen allele CA337952333.
Genomic context (GRCh38, chr1:2,228,983, plus strand): 5'-AAGGAGGCGGGCGCGGCCGCGGTGCCGGCGCCGGTGCCCGCAGCCACCGAGCCGCCGCCC[G>T]TGCTGCACCTGCCCGCCATCCAGCCGCCGCCGCCCGTGCTGCCCGGGCCCTTCTTCATGC-3'
Protein context (NP_003027.1, residues 63-83): PVPAATEPPP[Val73Leu]LHLPAIQPPP